The following is an entry in ClinVar:

NM_000038.6(APC):c.645+8A>T

Gene: APC (APC regulator of Wnt signaling pathway; plus strand). Cytogenetic location: 5q22.2.
Variant type: single nucleotide variant.
Coding change: c.645+8A>T on transcript NM_000038.6 (MANE Select); 8 bases into the intron after coding-DNA position 645, A replaced by T.
Molecular consequence: intron variant.
Genome position (GRCh38, 1-based): chr5:112,780,911, A>T. VCF-style: chr5-112780911-A-T. GRCh37 (hg19) VCF-style: chr5-112116608-A-T.
Other names: c.645+8A>T (NM_001354895.2, NM_001127510.3, NM_001354896.2 and 2 more transcripts); c.675+8A>T (NM_001354897.2, NM_001354902.2, NM_001127511.3); c.570+8A>T (NM_001354898.2, NM_001354904.2); c.-391+8A>T (NM_001354906.2); c.468+8A>T (NM_001354900.2, NM_001354901.2, NM_001354905.2).
Identifiers: ClinVar variation 926761 (VCV000926761.3), dbSNP rs1758262873, ClinGen allele CA1139658981.
Genomic context (GRCh38, chr5:112,780,911, plus strand): 5'-TTGCGATGGAAGAACAACTAGGTACCTGCCAGGATATGGAAAAACGAGCACAGGTAAGTT[A>T]CTTGTTTCTAAGTGATAAAACAGCGAAGAGCTATTAGGAATAAAATGAATTACAGCTCTG-3'

ClinVar aggregate classification (germline): Likely benign. Review status: criteria provided, multiple submitters, no conflicts (2 of 4 stars). 2 submissions from 2 submitters: Likely benign (2). Last evaluated 2024-02-26.

Conditions:
Hereditary cancer-predisposing syndrome. Also called: Neoplastic Syndromes, Hereditary; Tumor predisposition; Hereditary Cancer Syndrome; Hereditary neoplastic syndrome. Identifiers: Orphanet 140162, MedGen C0027672, MeSH D009386, MONDO:0015356.
Familial adenomatous polyposis 1 (FAP1). Also called: FAMILIAL ADENOMATOUS POLYPOSIS 1, ATTENUATED; POLYPOSIS, ADENOMATOUS INTESTINAL. Identifiers: MedGen C2713442, MONDO:0021056, OMIM 175100. Disease mechanism: loss of function.

Submissions (2):

Myriad Genetics, Inc.
Classification: Likely benign for Familial adenomatous polyposis 1. Last evaluated: 2024-02-26. Review status: criteria provided, single submitter. Criteria: Myriad Autosomal Dominant, Autosomal Recessive and X-Linked Classification Criteria (2023). Collection method: clinical testing. Allele origin: unknown.
Comment: This variant is considered likely benign. This variant is intronic and is not expected to impact mRNA splicing.

Color Diagnostics, LLC DBA Color Health
Classification: Likely benign for Hereditary cancer-predisposing syndrome. Last evaluated: 2019-08-14. Review status: criteria provided, single submitter. Criteria: ACMG Guidelines, 2015. Collection method: clinical testing. Allele origin: germline.